The following is an entry in ClinVar:

NM_003482.4(KMT2D):c.2054A>G (p.Glu685Gly)

Gene: KMT2D (lysine methyltransferase 2D; minus strand). Cytogenetic location: 12q13.12.
Variant type: single nucleotide variant.
Coding change: c.2054A>G on transcript NM_003482.4 (MANE Select); coding-DNA position 2054, A replaced by G.
Protein change: p.Glu685Gly; replaces glutamic acid 685 with glycine.
Molecular consequence: missense variant.
Genome position (GRCh38, 1-based): chr12:49,051,629, T>C on the plus strand (A>G on the coding strand, the complement: KMT2D is on the minus strand). VCF-style: chr12-49051629-T-C. GRCh37 (hg19) VCF-style: chr12-49445412-T-C.
Other names: short protein forms E685G.
Identifiers: ClinVar variation 3116048 (VCV003116048.3), dbSNP rs2120673441, ClinGen allele CA384669043.
Genomic context (GRCh38, chr12:49,051,629, plus strand): 5'-GAGTCCTCAGGTGGTGGGGATGTGGGGGAGTCCTCAGGTGGTGGGGAGAGGCGTGAAGCC[T>C]CAGGTGGAGGGGACGTGGGAGACTCCTCAGGCGGTGGGGACAAGGGAGATTCCTCAGGCG-3'
Protein context (NP_003473.3, residues 675-695): PEESPTSPPP[Glu685Gly]ASRLSPPPED

ClinVar aggregate classification (germline): Uncertain significance. Review status: criteria provided, multiple submitters, no conflicts (2 of 4 stars). 2 submissions from 2 submitters: Uncertain significance (2). Last evaluated 2024-09-17.

Conditions:
Kabuki syndrome. Also called: NIIKAWA-KUROKI SYNDROME; Kabuki make-up syndrome. Identifiers: Orphanet 2322, MedGen C0796004, MONDO:0016512.
Inborn genetic diseases. Identifiers: MedGen C0950123, MeSH D030342.

Submissions (2):

Labcorp Genetics (formerly Invitae), Labcorp
Classification: Uncertain significance for Kabuki syndrome. Last evaluated: 2024-09-17. Review status: criteria provided, single submitter. Criteria: Invitae Variant Classification Sherloc (09022015). Collection method: clinical testing. Allele origin: germline.
Comment: This sequence change replaces glutamic acid, which is acidic and polar, with glycine, which is neutral and non-polar, at codon 685 of the KMT2D protein (p.Glu685Gly). This variant is not present in population databases (gnomAD no frequency). This variant has not been reported in the literature in individuals affected with KMT2D-related conditions. Invitae Evidence Modeling of protein sequence and biophysical properties (such as structural, functional, and spatial information, amino acid conservation, physicochemical variation, residue mobility, and thermodynamic stability) indicates that this missense variant is not expected to disrupt KMT2D protein function with a negative predictive value of 95%. In summary, the available evidence is currently insufficient to determine the role of this variant in disease. Therefore, it has been classified as a Variant of Uncertain Significance.

Ambry Genetics
Classification: Uncertain significance for Inborn genetic diseases. Last evaluated: 2023-12-28. Review status: criteria provided, single submitter. Criteria: Ambry Variant Classification Scheme 2023. Collection method: clinical testing. Allele origin: germline.